The following is an entry in ClinVar:

ClinVar aggregate classification (germline): Uncertain significance (1 of 4 stars; one submission).

Conditions:
Familial adenomatous polyposis 2. Also called: MYH-associated polyposis; Adenomas, multiple colorectal; COLORECTAL ADENOMATOUS POLYPOSIS, AUTOSOMAL RECESSIVE; ADENOMAS, MULTIPLE COLORECTAL, AUTOSOMAL RECESSIVE; FAP type 2; MUTYH Polyposis. Identifiers: Orphanet 220460, Orphanet 247798, MedGen C3272841, MONDO:0012041, OMIM 608456.

Submission:

Labcorp Genetics (formerly Invitae), Labcorp
Classification: Uncertain significance for Familial adenomatous polyposis 2. Last evaluated: 2021-02-03. Review status: criteria provided, single submitter. Criteria: Invitae Variant Classification Sherloc (09022015). Collection method: clinical testing. Allele origin: germline.
Comment: This sequence change replaces cysteine with tyrosine at codon 339 of the MUTYH protein (p.Cys339Tyr). The cysteine residue is highly conserved and there is a large physicochemical difference between cysteine and tyrosine. This variant is not present in population databases (ExAC no frequency). This variant has not been reported in the literature in individuals with MUTYH-related conditions. Algorithms developed to predict the effect of missense changes on protein structure and function (SIFT, PolyPhen-2, Align-GVGD) all suggest that this variant is likely to be disruptive, but these predictions have not been confirmed by published functional studies and their clinical significance is uncertain. In summary, the available evidence is currently insufficient to determine the role of this variant in disease. Therefore, it has been classified as a Variant of Uncertain Significance.

NM_001048174.2(MUTYH):c.932G>A (p.Cys311Tyr)

Gene: MUTYH (mutY DNA glycosylase; minus strand). Cytogenetic location: 1p34.1.
Variant type: single nucleotide variant.
Coding change: c.932G>A on transcript NM_001048174.2 (MANE Select); coding-DNA position 932, G replaced by A.
Protein change: p.Cys311Tyr; replaces cysteine 311 with tyrosine.
Molecular consequence: missense variant. On other transcripts: non-coding transcript variant (2).
Genome position (GRCh38, 1-based): chr1:45,331,831, C>T on the plus strand (G>A on the coding strand, the complement: MUTYH is on the minus strand). VCF-style: chr1-45331831-C-T. GRCh37 (hg19) VCF-style: chr1-45797503-C-T.
Other names: c.932G>A, p.Cys311Tyr (NM_001048171.2, NM_001048173.2, NM_001293195.2); c.935G>A, p.Cys312Tyr (NM_001048172.2); c.1016G>A, p.Cys339Tyr (NM_001128425.2); c.977G>A, p.Cys326Tyr (NM_001293190.2); c.965G>A, p.Cys322Tyr (NM_001293191.2); c.656G>A, p.Cys219Tyr (NM_001293192.2, NM_001293196.2); c.587G>A, p.Cys196Tyr (NM_001350650.2, NM_001350651.2); c.1007G>A, p.Cys336Tyr (NM_012222.3); short protein forms C322Y, C219Y, C311Y, C336Y, C339Y, C196Y, C312Y, C326Y.
Identifiers: ClinVar variation 1464578 (VCV001464578.8), dbSNP rs2149129573, ClinGen allele CA340133878.